The following is an entry in ClinVar:

ClinVar aggregate classification (germline): Uncertain significance. Review status: criteria provided, multiple submitters, no conflicts (2 of 4 stars). 2 submissions from 2 submitters: Uncertain significance (2). Last evaluated 2022-08-16.

Conditions:
Dilated cardiomyopathy 1KK (CMD1KK). Identifiers: Orphanet 154, Orphanet 75249, MedGen C3714995, MONDO:0014100, OMIM 615248.
Cardiovascular phenotype. Identifiers: MedGen CN230736.

Allele frequency attached by ClinVar (database versions not stated): gnomAD 0.00001; TOPMed 0.00001.
gnomAD v4.1: 1 of 1,613,994 alleles (0.000062%); highest among the groups gnomAD compares: Non-Finnish European, 0.000085%; no homozygotes.

Submissions (2):

Labcorp Genetics (formerly Invitae), Labcorp
Classification: Uncertain significance for Dilated cardiomyopathy 1KK. Last evaluated: 2022-08-16. Review status: criteria provided, single submitter. Criteria: Invitae Variant Classification Sherloc (09022015). Collection method: clinical testing. Allele origin: germline.
Comment: ClinVar contains an entry for this variant (Variation ID: 520317). This variant has not been reported in the literature in individuals affected with MYPN-related conditions. This variant is not present in population databases (gnomAD no frequency). This sequence change replaces serine, which is neutral and polar, with threonine, which is neutral and polar, at codon 627 of the MYPN protein (p.Ser627Thr). Algorithms developed to predict the effect of missense changes on protein structure and function (SIFT, PolyPhen-2, Align-GVGD) all suggest that this variant is likely to be tolerated. In summary, the available evidence is currently insufficient to determine the role of this variant in disease. Therefore, it has been classified as a Variant of Uncertain Significance.

Ambry Genetics
Classification: Uncertain significance for Cardiovascular phenotype. Last evaluated: 2021-03-31. Review status: criteria provided, single submitter. Criteria: Ambry Variant Classification Scheme 2023. Collection method: clinical testing. Allele origin: germline.
Comment: The p.S627T variant (also known as c.1879T>A), located in coding exon 9 of the MYPN gene, results from a T to A substitution at nucleotide position 1879. The serine at codon 627 is replaced by threonine, an amino acid with similar properties. This amino acid position is not well conserved in available vertebrate species. In addition, this alteration is predicted to be tolerated by in silico analysis. Since supporting evidence is limited at this time, the clinical significance of this variant remains unclear.

NM_032578.4(MYPN):c.1879T>A (p.Ser627Thr)

Gene: MYPN (myopalladin; plus strand). Cytogenetic location: 10q21.3.
Variant type: single nucleotide variant.
Coding change: c.1879T>A on transcript NM_032578.4 (MANE Select); coding-DNA position 1879, T replaced by A.
Protein change: p.Ser627Thr; replaces serine 627 with threonine.
Molecular consequence: missense variant. On other transcripts: non-coding transcript variant (2).
Genome position (GRCh38, 1-based): chr10:68,166,572, T>A. VCF-style: chr10-68166572-T-A. GRCh37 (hg19) VCF-style: chr10-69926329-T-A.
Other names: c.1879T>A, p.Ser627Thr (NM_001256267.2); c.997T>A, p.Ser333Thr (NM_001256268.2); short protein forms S627T, S333T.
Identifiers: ClinVar variation 520317 (VCV000520317.12), dbSNP rs1282443178, ClinGen allele CA376840605.